The following is an entry in ClinVar:

NM_001048174.2(MUTYH):c.41A>T (p.Lys14Met)

Gene: MUTYH (mutY DNA glycosylase; minus strand). Cytogenetic location: 1p34.1.
Variant type: single nucleotide variant.
Coding change: c.41A>T on transcript NM_001048174.2 (MANE Select); coding-DNA position 41, A replaced by T.
Protein change: p.Lys14Met; replaces lysine 14 with methionine.
Molecular consequence: missense variant. On other transcripts: 5 prime UTR variant (4), non-coding transcript variant (2).
Genome position (GRCh38, 1-based): chr1:45,334,465, T>A on the plus strand (A>T on the coding strand, the complement: MUTYH is on the minus strand). VCF-style: chr1-45334465-T-A. GRCh37 (hg19) VCF-style: chr1-45800137-T-A.
Other names: c.41A>T, p.Lys14Met (NM_001048171.2, NM_001048172.2, NM_001048173.2 and 2 more transcripts); c.83A>T, p.Lys28Met (NM_001128425.2, NM_001293190.2, NM_012222.3); c.-172A>T (NM_001293192.2, NM_001293196.2); c.-231A>T (NM_001350650.2); c.-167A>T (NM_001350651.2); short protein forms K28M, K14M.
Identifiers: ClinVar variation 496102 (VCV000496102.1), dbSNP rs1553131499, ClinGen allele CA340137162.

ClinVar aggregate classification (germline): Uncertain significance (1 of 4 stars; one submission).

gnomAD v4.1: 1 of 1,614,164 alleles (0.000062%); highest among the groups gnomAD compares: South Asian, 0.0011%; no homozygotes.

Submission:

Women's Health and Genetics/Laboratory Corporation of America, LabCorp
Classification: Uncertain significance. Last evaluated: 2016-05-09. Review status: criteria provided, single submitter. Criteria: LabCorp Variant Classification Summary - May 2015. Collection method: clinical testing. Allele origin: germline.
Comment: Variant summary: The MUTYH c.83A>T (p.Lys28Met) variant involves the alteration of a non-conserved nucleotide. 4/5 in silico tools predict a benign outcome. This variant was absent in 121410 control chromosomes. The variant of interest has not, to our knowledge, been reported in affected individuals via publications and/or reputable databases/clinical diagnostic laboratories; nor evaluated for functional impact by in vivo/vitro studies. Because of the absence of clinical information and the lack of functional studies, the variant was classified as a variant of uncertain significance (VUS) until additional information becomes available.